The following is an entry in ClinVar:

ClinVar aggregate classification (germline): Pathogenic (1 of 4 stars; one submission).

Allele frequency attached by ClinVar (database versions not stated): gnomAD exomes below 0.00001.
gnomAD v4.1: 1 of 1,573,406 alleles (0.000064%); highest among the groups gnomAD compares: Non-Finnish European, 0.000086%; no homozygotes.

Submission:

Labcorp Genetics (formerly Invitae), Labcorp
Classification: Pathogenic. Last evaluated: 2023-09-03. Review status: criteria provided, single submitter. Criteria: Invitae Variant Classification Sherloc (09022015). Collection method: clinical testing. Allele origin: germline.
Comment: This variant is not present in population databases (gnomAD no frequency). This sequence change creates a premature translational stop signal (p.Trp1587*) in the COL11A2 gene. It is expected to result in an absent or disrupted protein product. Loss-of-function variants in COL11A2 are known to be pathogenic (PMID: 10677296, 21204229). For these reasons, this variant has been classified as Pathogenic. This variant has not been reported in the literature in individuals affected with COL11A2-related conditions.

Literature cited by the submitters: PubMed 10677296; PubMed 21204229.

NM_080680.3(COL11A2):c.4760G>A (p.Trp1587Ter)

Gene: COL11A2 (collagen type XI alpha 2 chain; minus strand). Cytogenetic location: 6p21.32.
Variant type: single nucleotide variant.
Coding change: c.4760G>A on transcript NM_080680.3 (MANE Select); coding-DNA position 4760, G replaced by A.
Protein change: p.Trp1587Ter; replaces tryptophan 1587 with a stop codon.
Molecular consequence: nonsense.
Genome position (GRCh38, 1-based): chr6:33,164,955, C>T on the plus strand (G>A on the coding strand, the complement: COL11A2 is on the minus strand). VCF-style: chr6-33164955-C-T. GRCh37 (hg19) VCF-style: chr6-33132732-C-T.
Other names: c.4580G>A, p.Trp1527Ter (NM_001424108.1); c.3914G>A, p.Trp1305Ter (NM_001424109.1); c.3734G>A, p.Trp1245Ter (NM_001424110.1, NM_001424111.1); c.2714G>A, p.Trp905Ter (NM_001424112.1); c.4439G>A, p.Trp1480Ter (NM_080679.3); c.4502G>A, p.Trp1501Ter (NM_080681.3); short protein forms W905*, W1305*, W1480*, W1587*, W1245*, W1501*, W1527*.
Identifiers: ClinVar variation 2757744 (VCV002757744.3), dbSNP rs1471622578, ClinGen allele CA363617869.
Genomic context (GRCh38, chr6:33,164,955, plus strand): 5'-GCTGTGAAGTTGCAGAAAACTCGGAAGGCATCCCGAGCACAGCCCTGGTTGGGGTCGACC[C>T]AGTACTCTCCTGTTGGGTGAGGGAGAGGGGAGGTCAGGGCCACCTAGGTCCAGGCTCCAA-3'